The following is an entry in ClinVar:

ClinVar aggregate classification (germline): Pathogenic (1 of 4 stars; one submission).

Conditions:
Familial adenomatous polyposis 1 (FAP1). Also called: FAMILIAL ADENOMATOUS POLYPOSIS 1, ATTENUATED; POLYPOSIS, ADENOMATOUS INTESTINAL. Identifiers: MedGen C2713442, MONDO:0021056, OMIM 175100. Disease mechanism: loss of function.

Submission:

Myriad Genetics, Inc.
Classification: Pathogenic for Familial adenomatous polyposis 1. Last evaluated: 2023-04-28. Review status: criteria provided, single submitter. Criteria: Myriad Autosomal Dominant, Autosomal Recessive and X-Linked Classification Criteria (2023). Collection method: clinical testing. Allele origin: unknown.
Comment: This variant is considered pathogenic. This variant creates a frameshift predicted to result in premature protein truncation.

NM_000038.6(APC):c.1235del (p.Gln412fs)

Gene: APC (APC regulator of Wnt signaling pathway; plus strand). Cytogenetic location: 5q22.2.
Variant type: Deletion.
Coding change: c.1235del on transcript NM_000038.6 (MANE Select); coding-DNA position 1235, one base deleted (A; older notation c.1235delA).
Protein change: p.Gln412fs; shifts the reading frame from glutamine 412.
Molecular consequence: frameshift variant. On other transcripts: splice acceptor variant (15), non-coding transcript variant (2).
Genome position (GRCh38, 1-based): chr5:112,819,267, A deleted. VCF-style (leftmost placement, unchanged base first): chr5-112819266-CA-C. GRCh37 (hg19) VCF-style: chr5-112154963-CA-C.
Other names: c.1058del, p.Gln353fs (NM_001407453.1, NM_001354900.2, NM_001354901.2); c.386del, p.Gln129fs (NM_001407470.1, NM_001354906.2); c.85-2del (NM_001407472.1, NM_001407471.1); c.934-2del (NM_001407456.1, NM_001407460.1, NM_001407457.1 and 5 more transcripts); c.850-2del (NM_001407469.1, NM_001407467.1); c.964-2del (NM_001354902.2); c.1235del, p.Gln412fs (NM_001127510.3, NM_001354895.2, NM_001354896.2 and 4 more transcripts); c.1181del, p.Gln394fs (NM_001127511.3); and 5 more; short protein forms Q129fs, Q353fs, Q384fs, Q387fs, Q394fs, Q412fs, Q422fs.
Identifiers: ClinVar variation 2584068 (VCV002584068.1), dbSNP rs2533055158, ClinGen allele CA2582341268.